The following is an entry in ClinVar:

ClinVar aggregate classification (germline): Uncertain significance. Review status: criteria provided, multiple submitters, no conflicts (2 of 4 stars). 2 submissions from 2 submitters: Uncertain significance (2). Last evaluated 2023-11-07.

Conditions:
Familial hemiplegic migraine. Identifiers: MedGen C0338484, MONDO:0000700.

Allele frequency attached by ClinVar (database versions not stated): gnomAD exomes below 0.00001 and 0.00001; gnomAD 0.00001; TOPMed 0.00001; ExAC 0.00002.
gnomAD v4.1: 8 of 1,593,408 alleles (0.0005%); highest among the groups gnomAD compares: South Asian, 0.0011%; no homozygotes.

Submissions (2):

Labcorp Genetics (formerly Invitae), Labcorp
Classification: Uncertain significance for Familial hemiplegic migraine. Last evaluated: 2023-11-07. Review status: criteria provided, single submitter. Criteria: Invitae Variant Classification Sherloc (09022015). Collection method: clinical testing. Allele origin: germline.
Comment: This sequence change replaces arginine, which is basic and polar, with histidine, which is basic and polar, at codon 7 of the ATP1A2 protein (p.Arg7His). The frequency data for this variant in the population databases is considered unreliable, as metrics indicate poor data quality at this position in the gnomAD database. This variant has not been reported in the literature in individuals affected with ATP1A2-related conditions. ClinVar contains an entry for this variant (Variation ID: 1462397). Advanced modeling of protein sequence and biophysical properties (such as structural, functional, and spatial information, amino acid conservation, physicochemical variation, residue mobility, and thermodynamic stability) has been performed at Invitae for this missense variant, however the output from this modeling did not meet the statistical confidence thresholds required to predict the impact of this variant on ATP1A2 protein function. In summary, the available evidence is currently insufficient to determine the role of this variant in disease. Therefore, it has been classified as a Variant of Uncertain Significance.

GeneDx
Classification: Uncertain significance. Last evaluated: 2022-12-28. Review status: criteria provided, single submitter. Criteria: GeneDx Variant Classification Process June 2021. Collection method: clinical testing. Allele origin: germline. Affected: yes.
Comment: Not observed at significant frequency in large population cohorts (gnomAD); In silico analysis supports that this missense variant does not alter protein structure/function; Has not been previously published as pathogenic or benign to our knowledge

NM_000702.4(ATP1A2):c.20G>A (p.Arg7His)

Gene: ATP1A2 (ATPase Na+/K+ transporting subunit alpha 2; plus strand). Cytogenetic location: 1q23.2.
Variant type: single nucleotide variant.
Coding change: c.20G>A on transcript NM_000702.4 (MANE Select); coding-DNA position 20, G replaced by A.
Protein change: p.Arg7His; replaces arginine 7 with histidine.
Molecular consequence: missense variant.
Genome position (GRCh38, 1-based): chr1:160,120,913, G>A. VCF-style: chr1-160120913-G-A. GRCh37 (hg19) VCF-style: chr1-160090703-G-A.
Other names: c.20G>A (NM_000702.3); short protein forms R7H.
Identifiers: ClinVar variation 1462397 (VCV001462397.9), dbSNP rs764755889, ClinGen allele CA1194074.